The following is an entry in ClinVar:

ClinVar aggregate classification (germline): Uncertain significance. Review status: criteria provided, multiple submitters, no conflicts (2 of 4 stars). 5 submissions from 5 submitters: Uncertain significance (5). Last evaluated 2025-01-30.

Conditions:
Hereditary cancer-predisposing syndrome. Also called: Hereditary Cancer Syndrome; Tumor predisposition; Hereditary neoplastic syndrome; Neoplastic Syndromes, Hereditary. Identifiers: Orphanet 140162, MedGen C0027672, MeSH D009386, MONDO:0015356.
BAP1-related tumor predisposition syndrome (TPDS1). Also called: BAP1 tumor predisposition syndrome; Tumor susceptibility linked to germline BAP1 mutations; TUMOR PREDISPOSITION SYNDROME 1; COMMON Syndrome. Identifiers: Orphanet 289539, MedGen C3280492, MONDO:0013692, OMIM 614327.

Allele frequency attached by ClinVar (database versions not stated): gnomAD 0.00001; TOPMed 0.00001.
gnomAD v4.1: 1 of 1,613,976 alleles (0.000062%); highest among the groups gnomAD compares: Non-Finnish European, 0.000085%; no homozygotes.

Submissions (5):

Labcorp Genetics (formerly Invitae), Labcorp
Classification: Uncertain significance for BAP1-related tumor predisposition syndrome. Last evaluated: 2025-01-30. Review status: criteria provided, single submitter. Criteria: Invitae Variant Classification Sherloc (09022015). Collection method: clinical testing. Allele origin: germline.
Comment: This sequence change replaces glutamic acid, which is acidic and polar, with glycine, which is neutral and non-polar, at codon 450 of the BAP1 protein (p.Glu450Gly). This variant is not present in population databases (gnomAD no frequency). This variant has not been reported in the literature in individuals affected with BAP1-related conditions. ClinVar contains an entry for this variant (Variation ID: 646341). Invitae Evidence Modeling of protein sequence and biophysical properties (such as structural, functional, and spatial information, amino acid conservation, physicochemical variation, residue mobility, and thermodynamic stability) indicates that this missense variant is not expected to disrupt BAP1 protein function with a negative predictive value of 80%. In summary, the available evidence is currently insufficient to determine the role of this variant in disease. Therefore, it has been classified as a Variant of Uncertain Significance.

Ambry Genetics
Classification: Uncertain significance for Hereditary cancer-predisposing syndrome. Last evaluated: 2024-12-06. Review status: criteria provided, single submitter. Criteria: Ambry Variant Classification Scheme 2023. Collection method: clinical testing. Allele origin: germline.
Comment: The p.E450G variant (also known as c.1349A>G), located in coding exon 13 of the BAP1 gene, results from an A to G substitution at nucleotide position 1349. The glutamic acid at codon 450 is replaced by glycine, an amino acid with similar properties. This amino acid position is highly conserved in available vertebrate species. In addition, the in silico prediction for this alteration is inconclusive. Based on the available evidence, the clinical significance of this variant remains unclear.

Color Diagnostics, LLC DBA Color Health
Classification: Uncertain significance for Hereditary cancer-predisposing syndrome. Last evaluated: 2024-03-06. Review status: criteria provided, single submitter. Criteria: ACMG Guidelines, 2015. Collection method: clinical testing. Allele origin: germline.
Comment: This missense variant replaces glutamic acid with glycine at codon 450 of the BAP1 protein. Computational prediction suggests that this variant may not impact protein structure and function (internally defined REVEL score threshold <= 0.5, PMID: 27666373). Splice site prediction tools suggest that this variant may not impact RNA splicing. To our knowledge, functional studies have not been performed for this variant. This variant has not been reported in individuals affected with hereditary cancer in the literature. This variant has not been identified in the general population by the Genome Aggregation Database (gnomAD). The available evidence is insufficient to determine the role of this variant in disease conclusively. Therefore, this variant is classified as a Variant of Uncertain Significance.

Baylor Genetics
Classification: Uncertain significance for BAP1-related tumor predisposition syndrome. Last evaluated: 2023-09-21. Review status: criteria provided, single submitter. Criteria: ACMG Guidelines, 2015. Collection method: clinical testing. Allele origin: unknown.

GeneDx
Classification: Uncertain significance. Last evaluated: 2019-11-22. Review status: criteria provided, single submitter. Criteria: GeneDx Variant Classification Process June 2021. Collection method: clinical testing. Allele origin: germline. Affected: yes.
Comment: Not observed in large population cohorts (Lek 2016); In silico analysis, which includes protein predictors and evolutionary conservation, supports that this variant does not alter protein structure/function; Has not been previously published as pathogenic or benign to our knowledge

NM_004656.4(BAP1):c.1349A>G (p.Glu450Gly)

Gene: BAP1 (BRCA1 associated deubiquitinase 1; minus strand). Cytogenetic location: 3p21.1.
Variant type: single nucleotide variant.
Coding change: c.1349A>G on transcript NM_004656.4 (MANE Select); coding-DNA position 1349, A replaced by G.
Protein change: p.Glu450Gly; replaces glutamic acid 450 with glycine.
Molecular consequence: missense variant.
Genome position (GRCh38, 1-based): chr3:52,403,796, T>C on the plus strand (A>G on the coding strand, the complement: BAP1 is on the minus strand). VCF-style: chr3-52403796-T-C. GRCh37 (hg19) VCF-style: chr3-52437812-T-C.
Other names: short protein forms E450G.
Identifiers: ClinVar variation 646341 (VCV000646341.21), dbSNP rs1459047463, ClinGen allele CA353101907.